The following is an entry in ClinVar:

NM_032866.5(CGNL1):c.1786G>A (p.Ala596Thr)

Gene: CGNL1 (cingulin like 1; plus strand). Cytogenetic location: 15q21.3.
Variant type: single nucleotide variant.
Coding change: c.1786G>A on transcript NM_032866.5 (MANE Select); coding-DNA position 1786, G replaced by A.
Protein change: p.Ala596Thr; replaces alanine 596 with threonine.
Molecular consequence: missense variant.
Genome position (GRCh38, 1-based): chr15:57,442,461, G>A. VCF-style: chr15-57442461-G-A. GRCh37 (hg19) VCF-style: chr15-57734659-G-A.
Other names: c.1786G>A, p.Ala596Thr (NM_001252335.2); short protein forms A596T.
Identifiers: ClinVar variation 3053289 (VCV003053289.2), dbSNP rs116793730, ClinGen allele CA7581918.

ClinVar aggregate classification (germline): Likely benign (0 of 4 stars; one submission).

Conditions:
CGNL1-related disorder. Also called: CGNL1-related condition.

Allele frequency attached by ClinVar (database versions not stated): ExAC 0.00100; gnomAD 0.00311; TOPMed 0.00341; 1000 Genomes Project 0.00359; ESP Exome Variant Server 0.00362; 1000 Genomes Project 30x 0.00453.
gnomAD v4.1: 1,102 of 1,610,222 alleles (0.068%); highest among the groups gnomAD compares: African/African-American, 1%; 6 homozygotes.

Submission:

PreventionGenetics, part of Exact Sciences
Classification: Likely benign for CGNL1-related condition. Last evaluated: 2021-01-11. Review status: no assertion criteria provided. Collection method: clinical testing. Allele origin: germline.
Comment: This variant is classified as likely benign based on ACMG/AMP sequence variant interpretation guidelines (Richards et al. 2015 PMID: 25741868, with internal and published modifications).